The following is an entry in ClinVar:

ClinVar aggregate classification (germline): Uncertain significance (1 of 4 stars; one submission).

Conditions:
Generalized epilepsy-paroxysmal dyskinesia syndrome (PNKD3). Also called: Generalized epilepsy and paroxysmal dyskinesia; Paroxysmal nonkinesigenic dyskinesia, 3, with or without generalized epilepsy. Identifiers: Orphanet 79137, MedGen C5574945, MONDO:0012276, OMIM 609446.

Allele frequency attached by ClinVar (database versions not stated): TOPMed below 0.00001; ExAC 0.00001; gnomAD exomes 0.00003.

Submission:

Labcorp Genetics (formerly Invitae), Labcorp
Classification: Uncertain significance for Generalized epilepsy-paroxysmal dyskinesia syndrome. Last evaluated: 2023-01-10. Review status: criteria provided, single submitter. Criteria: Invitae Variant Classification Sherloc (09022015). Collection method: clinical testing. Allele origin: germline.
Comment: This sequence change replaces isoleucine, which is neutral and non-polar, with valine, which is neutral and non-polar, at codon 819 of the KCNMA1 protein (p.Ile819Val). This variant is present in population databases (rs199819956, gnomAD 0.003%). This variant has not been reported in the literature in individuals affected with KCNMA1-related conditions. Advanced modeling of protein sequence and biophysical properties (such as structural, functional, and spatial information, amino acid conservation, physicochemical variation, residue mobility, and thermodynamic stability) performed at Invitae indicates that this missense variant is not expected to disrupt KCNMA1 protein function. In summary, the available evidence is currently insufficient to determine the role of this variant in disease. Therefore, it has been classified as a Variant of Uncertain Significance.

NM_001161352.2(KCNMA1):c.2629A>G (p.Ile877Val)

Genes: KCNMA1 (potassium calcium-activated channel subfamily M alpha 1; minus strand), KCNMA1-AS1 (KCNMA1 antisense RNA 1; plus strand). Cytogenetic location: 10q22.3.
Variant type: single nucleotide variant.
Coding change: c.2629A>G on transcript NM_001161352.2 (MANE Select); coding-DNA position 2629, A replaced by G.
Protein change: p.Ile877Val; replaces isoleucine 877 with valine.
Molecular consequence: missense variant.
Genome position (GRCh38, 1-based): chr10:76,949,222, T>C on the plus strand (A>G on the coding strand, the complement: KCNMA1 is on the minus strand). VCF-style: chr10-76949222-T-C. GRCh37 (hg19) VCF-style: chr10-78708980-T-C.
Other names: c.2467A>G, p.Ile823Val (NM_001014797.3, NM_001322835.2, NM_001322837.2); c.2578A>G, p.Ile860Val (NM_001161353.2); c.2305A>G, p.Ile769Val (NM_001271518.2); c.2464A>G, p.Ile822Val (NM_001271519.2, NM_001322829.2, NM_001322836.2); c.2476A>G, p.Ile826Val (NM_001322830.2); c.2455A>G, p.Ile819Val (NM_001322832.2, NM_001410940.1, NM_002247.4); c.2002A>G, p.Ile668Val (NM_001322838.2); short protein forms I668V, I822V, I826V, I877V, I769V, I819V, I823V, I860V.
Identifiers: ClinVar variation 2101323 (VCV002101323.4), dbSNP rs199819956, ClinGen allele CA5568027.